The following is an entry in ClinVar:

NM_001042492.3(NF1):c.2918del (p.Asp973fs)

Gene: NF1 (neurofibromin 1; plus strand). Cytogenetic location: 17q11.2.
Variant type: Deletion.
Coding change: c.2918del on transcript NM_001042492.3 (MANE Select); coding-DNA position 2918, one base deleted (A; older notation c.2918delA).
Protein change: p.Asp973fs; shifts the reading frame from aspartic acid 973.
Molecular consequence: frameshift variant.
Genome position (GRCh38, 1-based): chr17:31,229,902, A deleted. VCF-style (leftmost placement, unchanged base first): chr17-31229901-GA-G. GRCh37 (hg19) VCF-style: chr17-29556919-GA-G.
Other names: c.2918delA (NM_000267.3); c.2918delA, p.Asp973Valfs (NM_000267.4); short protein forms D973fs.
Identifiers: ClinVar variation 1797650 (VCV001797650.3), dbSNP rs2508197417, ClinGen allele CA2580093418.
Genomic context (GRCh38, chr17:31,229,901, plus strand): 5'-TTGACTGATACCAATACTCAATTTGTAGAACAAACCATAGCTATAATGAAGAACTTGCTA[GA>G]TAATCATACTGAAGGCAGCTCTGAACATCTAGGGCAAGCTAGCATTGAAACAATGATGTT-3'

ClinVar aggregate classification (germline): Pathogenic (1 of 4 stars; one submission).

Conditions:
Hereditary cancer-predisposing syndrome. Also called: Neoplastic Syndromes, Hereditary; Tumor predisposition; Hereditary Cancer Syndrome; Hereditary neoplastic syndrome. Identifiers: Orphanet 140162, MedGen C0027672, MeSH D009386, MONDO:0015356.
Cardiovascular phenotype. Identifiers: MedGen CN230736.

Submission:

Ambry Genetics
Classification: Pathogenic for Cardiovascular phenotype; Hereditary cancer-predisposing syndrome. Last evaluated: 2025-05-30. Review status: criteria provided, single submitter. Criteria: Ambry Variant Classification Scheme 2023. Collection method: clinical testing. Allele origin: germline.
Comment: The c.2918delA pathogenic mutation, located in coding exon 22 of the NF1 gene, results from a deletion of one nucleotide at nucleotide position 2918, causing a translational frameshift with a predicted alternate stop codon (p.D973Vfs*11). This alteration is expected to result in loss of function by premature protein truncation or nonsense-mediated mRNA decay. As such, this alteration is interpreted as a disease-causing mutation.